The following is an entry in ClinVar:

NM_015100.4(POGZ):c.1313C>A (p.Ser438Tyr)

Gene: POGZ (pogo transposable element derived with ZNF domain; minus strand). Cytogenetic location: 1q21.3.
Variant type: single nucleotide variant.
Coding change: c.1313C>A on transcript NM_015100.4 (MANE Select); coding-DNA position 1313, C replaced by A.
Protein change: p.Ser438Tyr; replaces serine 438 with tyrosine.
Molecular consequence: missense variant.
Genome position (GRCh38, 1-based): chr1:151,424,159, G>T on the plus strand (C>A on the coding strand, the complement: POGZ is on the minus strand). VCF-style: chr1-151424159-G-T. GRCh37 (hg19) VCF-style: chr1-151396635-G-T.
Other names: c.1286C>A, p.Ser429Tyr (NM_001194937.2); c.1127C>A, p.Ser376Tyr (NM_001194938.2); c.1028C>A, p.Ser343Tyr (NM_145796.4); c.1154C>A, p.Ser385Tyr (NM_207171.2); short protein forms S429Y, S438Y, S376Y, S385Y, S343Y.
Identifiers: ClinVar variation 1046439 (VCV001046439.10), dbSNP rs749899018, ClinGen allele CA29584971.

ClinVar aggregate classification (germline): Conflicting classifications of pathogenicity. Review status: criteria provided, conflicting classifications (1 of 4 stars). 2 submissions from 2 submitters: Uncertain significance (1); Likely benign (1). Last evaluated 2020-10-19.

Conditions:
Intellectual disability-microcephaly-strabismus-behavioral abnormalities syndrome. Also called: White-Sutton Syndrome. Identifiers: Orphanet 468678, MedGen C4225351, MONDO:0014606, OMIM 616364.

Allele frequency attached by ClinVar (database versions not stated): TOPMed below 0.00001; gnomAD 0.00002.
gnomAD v4.1: 25 of 1,614,018 alleles (0.0015%); highest among the groups gnomAD compares: African/African-American, 0.0027%; no homozygotes.

Submissions (2):

Victorian Clinical Genetics Services, Murdoch Childrens Research Institute
Classification: Likely benign for Intellectual disability-microcephaly-strabismus-behavioral abnormalities syndrome. Last evaluated: 2020-10-19. Review status: criteria provided, single submitter. Criteria: ACMG Guidelines, 2015. Collection method: clinical testing. Allele origin: germline. Inheritance: Autosomal dominant inheritance.
Comment: Based on the classification scheme VCGS_Germline_v1.3.3, this variant is classified as Likely benign. Following criteria are met: 0102 - Loss of function is a known mechanism of disease in this gene and is associated with White-Sutton syndrome (MIM#616364). (I) 0107 - This gene is associated with autosomal dominant disease. (I) 0200 - Variant is predicted to result in a missense amino acid change from serine to tyrosine. (I) 0251 - This variant is heterozygous. (I) 0308 - Population frequency for this variant is out of keeping with known incidence of White-Sutton syndrome (MIM#616364). This variant is present in gnomAD (v3) (3 heterozygotes, 0 homozygotes). (SB) 0502 - Missense variant with conflicting in silico predictions and uninformative conservation. (I) 0600 - Variant is located in the annotated PLN02983 super family domain (NCBI). (I) 0705 - No comparable missense variants have previous evidence for pathogenicity. (I) 0807 - This variant has no previous evidence of pathogenicity. (I) 0905 - No published segregation evidence has been identified for this variant. (I) 1007 - No published functional evidence has been identified for this variant. (I) 1208 - Inheritance information for this variant is not currently available in this individual. (I) Legend: (SP) - Supporting pathogenic, (I) - Information, (SB) - Supporting benign

Labcorp Genetics (formerly Invitae), Labcorp
Classification: Uncertain significance. Last evaluated: 2017-07-03. Review status: criteria provided, single submitter. Criteria: Invitae Variant Classification Sherloc (09022015). Collection method: clinical testing. Allele origin: germline.
Comment: In summary, the available evidence is currently insufficient to determine the role of this variant in disease. Therefore, it has been classified as a Variant of Uncertain Significance. Algorithms developed to predict the effect of missense changes on protein structure and function do not agree on the potential impact of this missense change (SIFT: "Deleterious"; PolyPhen-2: "Possibly Damaging"; Align-GVGD: "Class C15"). This variant has not been reported in the literature in individuals with POGZ-related disease. This variant is not present in population databases (ExAC no frequency). This sequence change replaces serine with tyrosine at codon 438 of the POGZ protein (p.Ser438Tyr). The serine residue is highly conserved and there is a large physicochemical difference between serine and tyrosine.